The following is an entry in ClinVar:

NM_020719.3(PRR12):c.2112C>T (p.Ile704=)

Gene: PRR12 (proline rich 12; plus strand). Cytogenetic location: 19q13.33.
Variant type: single nucleotide variant.
Coding change: c.2112C>T on transcript NM_020719.3 (MANE Select); coding-DNA position 2112, C replaced by T.
Protein change: p.Ile704=; no amino-acid change (isoleucine 704 retained).
Molecular consequence: synonymous variant.
Genome position (GRCh38, 1-based): chr19:49,596,447, C>T. VCF-style: chr19-49596447-C-T. GRCh37 (hg19) VCF-style: chr19-50099704-C-T.
Identifiers: ClinVar variation 3034176 (VCV003034176.2), dbSNP rs189093151, ClinGen allele CA9578021.

ClinVar aggregate classification (germline): Likely benign (0 of 4 stars; one submission).

Conditions:
PRR12-related disorder. Also called: PRR12-related condition.

Allele frequency attached by ClinVar (database versions not stated): gnomAD exomes 0.00006; ExAC 0.00022; gnomAD 0.00058; TOPMed 0.00059; 1000 Genomes Project 30x 0.00078; 1000 Genomes Project 0.00080; ESP Exome Variant Server 0.00082.
gnomAD v4.1: 180 of 1,611,238 alleles (0.011%); highest among the groups gnomAD compares: African/African-American, 0.21%; no homozygotes.

Submission:

PreventionGenetics, part of Exact Sciences
Classification: Likely benign for PRR12-related condition. Last evaluated: 2019-06-07. Review status: no assertion criteria provided. Collection method: clinical testing. Allele origin: germline.
Comment: This variant is classified as likely benign based on ACMG/AMP sequence variant interpretation guidelines (Richards et al. 2015 PMID: 25741868, with internal and published modifications).